The following is an entry in ClinVar:

ClinVar aggregate classification (germline): Pathogenic. Review status: criteria provided, multiple submitters, no conflicts (2 of 4 stars). 2 submissions from 2 submitters: Pathogenic (2). Last evaluated 2025-10-30.

Conditions:
CNGB1-related disorder. Also called: CNGB1-related condition.

gnomAD v4.1: 8 of 1,613,764 alleles (0.0005%); highest among the groups gnomAD compares: South Asian, 0.0011%; no homozygotes.

Submissions (2):

Labcorp Genetics (formerly Invitae), Labcorp
Classification: Pathogenic. Last evaluated: 2025-10-30. Review status: criteria provided, single submitter. Criteria: Invitae Variant Classification Sherloc (09022015). Collection method: clinical testing. Allele origin: germline.
Comment: This sequence change affects a donor splice site in intron 25 of the CNGB1 gene. It is expected to disrupt RNA splicing. Variants that disrupt the donor or acceptor splice site typically lead to a loss of protein function (PMID: 16199547), and loss-of-function variants in CNGB1 are known to be pathogenic (PMID: 15557452, 24043777). This variant is not present in population databases (gnomAD no frequency). Disruption of this splice site has been observed in individual(s) with Retinitis pigmentosa (PMID: 29800053). In at least one individual the data is consistent with being in trans (on the opposite chromosome) from a pathogenic variant. ClinVar contains an entry for this variant (Variation ID: 1072870). Algorithms developed to predict the effect of sequence changes on RNA splicing suggest that this variant may disrupt the consensus splice site. For these reasons, this variant has been classified as Pathogenic.

PreventionGenetics, part of Exact Sciences
Classification: Pathogenic for CNGB1-related condition. Last evaluated: 2025-01-29. Review status: criteria provided, single submitter. Criteria: ACMG Guidelines, 2015. Collection method: clinical testing. Allele origin: germline.
Comment: The CNGB1 c.2492+1G>A variant is predicted to disrupt the GT donor site and interfere with normal splicing. This variant has been reported in individuals with retinitis pigmentosa (see for example: Charbel Issa et al. 2018. PubMed ID: 29800053; S2 table, Birtel et al. 2018. PubMed ID: 30543658; Mauro-Herrera et al. 2021. PubMed ID: 34209753). This variant has been shown to result in skipping of exon 25 (Mauro-Herrera et al. 2021. PubMed ID: 34209753). This variant has not been reported in a large population database (gnomAD), indicating this variant is rare. Variants that disrupt the consensus splice donor site in CNGB1 are expected to be pathogenic. This variant is interpreted as pathogenic.

Literature cited by the submitters: PubMed 16199547 (cited by Labcorp Genetics (formerly Invitae), Labcorp); PubMed 15557452 (cited by Labcorp Genetics (formerly Invitae), Labcorp); PubMed 24043777 (cited by Labcorp Genetics (formerly Invitae), Labcorp); PubMed 29800053 (cited by Labcorp Genetics (formerly Invitae), Labcorp).

NM_001297.5(CNGB1):c.2492+1G>A

Gene: CNGB1 (cyclic nucleotide gated channel subunit beta 1; minus strand). Cytogenetic location: 16q21.
Variant type: single nucleotide variant.
Coding change: c.2492+1G>A on transcript NM_001297.5 (MANE Select); the canonical splice donor site of the intron after coding-DNA position 2492, G replaced by A.
Molecular consequence: splice donor variant.
Genome position (GRCh38, 1-based): chr16:57,911,752, C>T on the plus strand (G>A on the coding strand, the complement: CNGB1 is on the minus strand). VCF-style: chr16-57911752-C-T. GRCh37 (hg19) VCF-style: chr16-57945656-C-T.
Other names: c.2474+1G>A (NM_001286130.2); c.2492+1G>A (NM_001297.4).
Identifiers: ClinVar variation 1072870 (VCV001072870.10), dbSNP rs530551814, ClinGen allele CA8082992.
Genomic context (GRCh38, chr16:57,911,752, plus strand): 5'-CGAATTATAAAGAACAGGAAGGTCACCCAGGCATGGCCCCAGGGGGAGGACTGTGGCTCA[C>T]CTGTTTCCCACGCCATCGTAAACCCAGTGAGTGGAGCCGAGGCCCTGATAGGCCGATGCC-3'